The following is an entry in ClinVar:

ClinVar aggregate classification (germline): Conflicting classifications of pathogenicity. Review status: criteria provided, conflicting classifications (1 of 4 stars). 11 submissions from 11 submitters: Pathogenic (2); Likely pathogenic (3); Uncertain significance (6). Last evaluated 2026-08-06.

Conditions:
AHI1-related disorder. Also called: AHI1-related condition.
Joubert syndrome 1 (JBTS1). Also called: Cerebellooculorenal syndrome 1; CEREBELLOPARENCHYMAL DISORDER IV. Identifiers: MedGen C4551568, MONDO:0008944, OMIM 213300.
Joubert syndrome 3 (JBTS3). Also called: AHI1-related Ciliopathy. Identifiers: Orphanet 220493, MedGen C1837713, MONDO:0012078, OMIM 608629.
Joubert syndrome. Also called: Familial aplasia of the vermis; JOUBERT-BOLTSHAUSER SYNDROME. Identifiers: Orphanet 475, MedGen C5979921, MONDO:0018772.
Rod-cone dystrophy. Identifiers: MedGen C4551714, HP:0000510.

Allele frequency attached by ClinVar (database versions not stated): gnomAD exomes 0.00003; gnomAD 0.00013; TOPMed 0.00015.
gnomAD v4.1: 73 of 1,613,440 alleles (0.0045%); highest among the groups gnomAD compares: Admixed American, 0.033%; no homozygotes.

Submissions (11):

OLLIN Analises Genomicas, OLLIN
Classification: Uncertain significance. Last evaluated: 2026-08-06. Review status: criteria provided, single submitter. Criteria: ACMG Guidelines 2015 PMID 25741868. Collection method: clinical testing. Allele origin: germline.
Comment: This nonsense variant, located in exon 25 (of 29), has been reported in ClinVar (accession VCV000377455.49), in gnomAD with an allele frequency of 0.0045%, and in the scientific literature in individuals with AHI1 related disorders (PMID: 25616960). This variant introduces a premature stop codon, which is predicted to result in either a truncated protein or degradation of the mRNA via nonsense-mediated decay (NMD). Functional studies suggest that this variant does not significantly affect protein function (PMID: 25616960). According to the currently available evidence, this variant has been classified as uncertain significance (PVS1, PM2_P, BS2, BS3_P).

PreventionGenetics, part of Exact Sciences
Classification: Likely pathogenic for AHI1-related condition. Last evaluated: 2026-07-08. Review status: criteria provided, single submitter. Criteria: ACMG Guidelines, 2015. Collection method: clinical testing. Allele origin: germline.
Comment: The AHI1 c.3196C>T variant is predicted to result in premature protein termination (p.Arg1066*). This variant has been reported in the homozygous state or in combination with another AHI1 variant in individuals with retinal disease (Table S1, Gopinath et al. 2023. PubMed ID: 36648511; Table S4, Panneman et al. 2023. PubMed ID: 36819107; Table S1, Weisschuh et al. 2024. PubMed ID: 37734845; Sahin et al. 2024. PubMed ID: 38465142). However, this variant has also been noted in the homozygous state in four siblings in which none of the individuals had retinal disease (Elsayed et al 2015. PubMed ID: 25616960). This variant is present in 0.017% of alleles in individuals of Latino descent in gnomAD and has conflicting classifications in ClinVar ranging from uncertain to likely pathogenic (Variation ID: 377455). Nonsense variants in AHI1 are an established mechanism of disease. This variant is interpreted as likely pathogenic.

Dasa
Classification: Pathogenic. Last evaluated: 2026-03-12. Review status: criteria provided, single submitter. Criteria: DASA Assertion Criteria. Collection method: clinical testing. Allele origin: germline.
Comment: NM_001134831.2(AHI1):c.3196C>T (p.Arg1066*) introduces a premature termination codon predicted to result in loss of normal protein function. Loss-of-function is an established mechanism of disease for this gene. This variant has been reported in individuals with related phenotype (PMID: 25616960). The variant is present at low frequency in population datasets. Based on the available data, this variant is classified as pathogenic.

Labcorp Genetics (formerly Invitae), Labcorp
Classification: Likely pathogenic for Joubert syndrome. Last evaluated: 2026-01-26. Review status: criteria provided, single submitter. Criteria: Invitae Variant Classification Sherloc (09022015). Collection method: clinical testing. Allele origin: germline.
Comment: This sequence change creates a premature translational stop signal (p.Arg1066*) in the AHI1 gene. While it is unclear if this will result in nonsense mediated decay, it is expected to disrupt the last 131 amino acid(s) of the AHI1 protein. This variant is present in population databases (rs780163791, gnomAD 0.02%). This premature translational stop signal has been observed in individuals with retinitis pigmentosa (PMID: 34906470, 36819107, 37217489, 37734845, 37798099; internal data). ClinVar contains an entry for this variant (Variation ID: 377455). Studies have shown that this premature translational stop signal does not significantly alter or has an unclear effect on AHI1 gene expression (PMID: 25616960). In summary, the currently available evidence indicates that the variant is pathogenic, but additional data are needed to prove that conclusively. Therefore, this variant has been classified as Likely Pathogenic.

Women's Health and Genetics/Laboratory Corporation of America, LabCorp
Classification: Uncertain significance. Last evaluated: 2025-05-23. Review status: criteria provided, single submitter. Criteria: LabCorp Variant Classification Summary - May 2015. Collection method: clinical testing. Allele origin: germline.
Comment: Variant summary: AHI1 c.3196C>T (p.Arg1066X) results in a premature termination codon, predicted to cause a truncation of the encoded protein or absence of the protein due to nonsense mediated decay, which are commonly known mechanisms for disease. The variant allele was found at a frequency of 4e-05 in 248404 control chromosomes. This frequency is not significantly higher than estimated for a pathogenic variant in AHI1 causing Joubert Syndrome And Related Disorders (4e-05 vs 0.0013), allowing no conclusion about variant significance. c.3196C>T has been observed in the homozygous state in four siblings from a consanguineous family, none of whom expressed any clinical signs of Joubert Syndrome (Elsayed_2015). Three of the siblings were affected with congenital non-syndromic deafness, however normal hearing in the fourth homozygous sibling suggested the variant is likely unrelated to this phenotype. Experimental evidence examining protein expression in fibroblasts from a homozygous individual indicate that the variant has little impact on protein expression versus a healthy control and functional characterization in a zebrafish model suggests that impacting the C-terminal SH3 domain of the protein does not result in a Joubert syndrome-like phenotype (Elsayed_2015). Additionally, the variant was detected in multiple homozygous or compound heterozygous individuals affected with retinitis pigmentosa in settings of multi-gene panel testing or PCR-free short-read genome sequencing (e.g. Gopinath_2023, Panneman_2023, Schlottmann_2023, Weisschuh_2024, Sahin_2024, Internal data). This functional and clinical evidence, however, does not allow for unequivocal conclusions about the variant effect. The following publications have been ascertained in the context of this evaluation (PMID: 25616960, 36648511, 26035800, 36819107, 38465142, 37217489, 37734845). ClinVar contains an entry for this variant (Variation ID: 377455). Based on the evidence outlined above, the variant was classified as uncertain significance.

Fulgent Genetics
Classification: Uncertain significance for Joubert syndrome 3. Last evaluated: 2024-06-10. Review status: criteria provided, single submitter. Criteria: ACMG Guidelines, 2015. Collection method: clinical testing. Allele origin: germline.

Blueprint Genetics
Classification: Pathogenic for AHI1-related disorders. Last evaluated: 2023-06-16. Review status: criteria provided, single submitter. Criteria: ACMG Guidelines, 2015. Collection method: clinical testing. Allele origin: germline. Affected: yes. Observed: 5 variant alleles.

CeGaT Center for Human Genetics Tuebingen
Classification: Uncertain significance. Last evaluated: 2023-03-01. Review status: criteria provided, single submitter. Criteria: CeGaT Center For Human Genetics Tuebingen Variant Classification Criteria Version 2. Collection method: clinical testing. Allele origin: germline. Affected: yes. Observed: 1 variant allele.
Comment: AHI1: PM2, PVS1:Moderate, PM3:Supporting, BS3:Supporting, BS2

Mendelics
Classification: Uncertain significance for Joubert syndrome 1. Last evaluated: 2023-01-09. Review status: criteria provided, single submitter. Criteria: Mendelics Assertion Criteria 2017. Collection method: clinical testing. Allele origin: unknown.

Ocular Genomics Institute, Massachusetts Eye and Ear
Classification: Likely pathogenic for Rod-cone dystrophy. Last evaluated: 2021-04-08. Review status: criteria provided, single submitter. Criteria: ACMG Guidelines, 2015. Collection method: research. Allele origin: germline. Affected: yes.
Comment: Through a review of available evidence we were able to apply the following criteria: PVS1, PM2. Based on this evidence we have classified this variant as Likely Pathogenic.

GeneDx
Classification: Uncertain significance. Last evaluated: 2016-07-05. Review status: criteria provided, single submitter. Criteria: GeneDx Variant Classification (06012015). Collection method: clinical testing. Allele origin: germline. Affected: yes.
Comment: A variant of uncertain significance has been identified in the AHI1 gene. The R1066X variant has been reported as a homozygous variant in a consanguineous family with non-syndromic deafness; however one of the homozygous individuals had normal hearing, and none of the homozygous individuals had any signs clinically, or on brain MRI of Joubert syndrome, leading the authors to conclude that this variant is non-pathogenic (Elsayed et al., 2015). Although the R1066X nonsense variant in the is predicted to cause loss of normal protein function either through protein truncation or nonsense-mediated mRNA decay, functional studies demonstrated that it does not result in a ciliopathy phenotype (Elsayed et al., 2015). However, the R1066X variant was not observed in approximately 6,100 individuals of European and African American ancestry in the NHLBI Exome Sequencing Project, indicating it is not a common benign variant in these populations. Therefore, based on the currently available information, it is unclear whether this variant is a pathogenic variant or a rare benign variant.

Literature cited by the submitters: PubMed 25616960 (cited by 5 submitters); PubMed 34906470 (cited by Labcorp Genetics (formerly Invitae), Labcorp); PubMed 36819107 (cited by Labcorp Genetics (formerly Invitae), Labcorp and Women's Health and Genetics/Laboratory Corporation of America, LabCorp); PubMed 37217489 (cited by Labcorp Genetics (formerly Invitae), Labcorp and Women's Health and Genetics/Laboratory Corporation of America, LabCorp); PubMed 37734845 (cited by Labcorp Genetics (formerly Invitae), Labcorp and Women's Health and Genetics/Laboratory Corporation of America, LabCorp); PubMed 37798099 (cited by Labcorp Genetics (formerly Invitae), Labcorp); PubMed 26035800 (cited by Women's Health and Genetics/Laboratory Corporation of America, LabCorp); PubMed 36648511 (cited by Women's Health and Genetics/Laboratory Corporation of America, LabCorp); PubMed 38465142 (cited by Women's Health and Genetics/Laboratory Corporation of America, LabCorp); PubMed 16453322 (cited by Ocular Genomics Institute, Massachusetts Eye and Ear); PubMed 15322546 (cited by Ocular Genomics Institute, Massachusetts Eye and Ear).

NM_001134831.2(AHI1):c.3196C>T (p.Arg1066Ter)

Gene: AHI1 (Abelson helper integration site 1; minus strand). Cytogenetic location: 6q23.3.
Variant type: single nucleotide variant.
Coding change: c.3196C>T on transcript NM_001134831.2 (MANE Select); coding-DNA position 3196, C replaced by T.
Protein change: p.Arg1066Ter; replaces arginine 1066 with a stop codon.
Molecular consequence: nonsense.
Genome position (GRCh38, 1-based): chr6:135,323,294, G>A on the plus strand (C>T on the coding strand, the complement: AHI1 is on the minus strand). VCF-style: chr6-135323294-G-A. GRCh37 (hg19) VCF-style: chr6-135644432-G-A.
Other names: c.3196C>T, p.Arg1066Ter (NM_001134830.2, NM_001350503.2, NM_001350504.2 and 1 more transcripts); short protein forms R1066*.
Identifiers: ClinVar variation 377455 (VCV000377455.52), dbSNP rs780163791, ClinGen allele CA4012074.